The following is an entry in ClinVar:

ClinVar aggregate classification (germline): Likely pathogenic (1 of 4 stars; one submission).

Conditions:
Gaucher disease. Also called: Kerasin lipoidosis; Kerasin thesaurismosis; Acute cerebral Gaucher disease; Cerebroside lipidosis syndrome; Gaucher splenomegaly; Sphingolipidosis 1. Identifiers: Orphanet 355, MedGen C0017205, MONDO:0018150.

Submission:

Natera, Inc.
Classification: Likely pathogenic for Gaucher disease. Last evaluated: 2025-02-18. Review status: criteria provided, single submitter. Criteria: Natera Variant Classification Schema (03/2026). Collection method: clinical testing. Allele origin: germline.
Comment: The c.1161G>A variant in GBA1 is a nonsense variant predicted to introduce a stop codon at amino acid 387. This variant is expected to result in nonsense mediated decay, truncation, or a dysfunctional protein product. This variant is rare in the general population with a frequency below the threshold expected for the associated phenotype(s). Given the available evidence, this variant is classified as Likely Pathogenic.

NM_000157.4(GBA1):c.1161G>A (p.Trp387Ter)

Genes: GBA1 (glucosylceramidase beta 1; minus strand), LOC106627981 (GBA recombination region; plus strand). Cytogenetic location: 1q22.
Variant type: single nucleotide variant.
Coding change: c.1161G>A on transcript NM_000157.4 (MANE Select); coding-DNA position 1161, G replaced by A.
Protein change: p.Trp387Ter; replaces tryptophan 387 with a stop codon.
Molecular consequence: nonsense.
Genome position (GRCh38, 1-based): chr1:155,236,308, C>T on the plus strand (G>A on the coding strand, the complement: GBA1 is on the minus strand). VCF-style: chr1-155236308-C-T. GRCh37 (hg19) VCF-style: chr1-155206099-C-T.
Other names: c.1161G>A, p.Trp387Ter (NM_001005741.3, NM_001005742.3); c.900G>A, p.Trp300Ter (NM_001171811.2); c.1014G>A, p.Trp338Ter (NM_001171812.2); short protein forms W300*, W338*, W387*.
Identifiers: ClinVar variation 4068431 (VCV004068431.2).